The following is an entry in ClinVar:

NM_021224.6(ZNF462):c.2890G>A (p.Val964Met)

Gene: ZNF462 (zinc finger protein 462; plus strand). Cytogenetic location: 9q31.2.
Variant type: single nucleotide variant.
Coding change: c.2890G>A on transcript NM_021224.6 (MANE Select); coding-DNA position 2890, G replaced by A.
Protein change: p.Val964Met; replaces valine 964 with methionine.
Molecular consequence: missense variant.
Genome position (GRCh38, 1-based): chr9:106,926,802, G>A. VCF-style: chr9-106926802-G-A. GRCh37 (hg19) VCF-style: chr9-109689083-G-A.
Other names: c.2890G>A, p.Val964Met (NM_001347997.2); c.2890G>A (NM_021224.4); short protein forms V964M.
Identifiers: ClinVar variation 3353556 (VCV003353556.2).

ClinVar aggregate classification (germline): Uncertain significance. Review status: criteria provided, single submitter (1 of 4 stars). 2 submissions from 2 submitters: Uncertain significance (1). 1 of the submissions does not count toward it. Last evaluated 2025-04-03.

Conditions:
Inborn genetic diseases. Identifiers: MedGen C0950123, MeSH D030342.
ZNF462-related disorder. Also called: ZNF462-related condition; ZNF462 related disease.

gnomAD v4.1: 31 of 1,614,176 alleles (0.0019%); highest among the groups gnomAD compares: Non-Finnish European, 0.0024%; no homozygotes.

Submissions (2):

Ambry Genetics
Classification: Uncertain significance for Inborn genetic diseases. Last evaluated: 2025-04-03. Review status: criteria provided, single submitter. Criteria: Ambry Variant Classification Scheme 2023. Collection method: clinical testing. Allele origin: germline.

PreventionGenetics, part of Exact Sciences
Classification: Uncertain significance for ZNF462-related condition. Last evaluated: 2024-04-04. Review status: no assertion criteria provided. Collection method: clinical testing. Allele origin: germline. Not counted in ClinVar's aggregate classification.
Comment: The ZNF462 c.2890G>A variant is predicted to result in the amino acid substitution p.Val964Met. To our knowledge, this variant has not been reported in the literature. This variant is reported in 0.0053% of alleles in individuals of European (Non-Finnish) descent in gnomAD. At this time, the clinical significance of this variant is uncertain due to the absence of conclusive functional and genetic evidence.